The following is an entry in ClinVar:

NM_015015.3(KDM4B):c.994C>A (p.Leu332Met)

Gene: KDM4B (lysine demethylase 4B; plus strand). Cytogenetic location: 19p13.3.
Variant type: single nucleotide variant.
Coding change: c.994C>A on transcript NM_015015.3 (MANE Select); coding-DNA position 994, C replaced by A.
Protein change: p.Leu332Met; replaces leucine 332 with methionine.
Molecular consequence: missense variant.
Genome position (GRCh38, 1-based): chr19:5,110,697, C>A. VCF-style: chr19-5110697-C-A. GRCh37 (hg19) VCF-style: chr19-5110708-C-A.
Other names: c.994C>A, p.Leu332Met (NM_001370093.1, NM_001370094.1, NM_001411148.1); short protein forms L332M.
Identifiers: ClinVar variation 4537673 (VCV004537673.1).
Genomic context (GRCh38, chr19:5,110,697, plus strand): 5'-GACATGGTCAAGATCTCCATGGACGTGTTCGTGCGCATCCTGCAGCCCGAGCGCTACGAG[C>A]TGTGGAAGCAGGGCAAGGACCTCACGGTGCTGGACCACACGCGGCCCACGGCGCTCACCA-3'
Protein context (NP_055830.1, residues 322-342): VRILQPERYE[Leu332Met]WKQGKDLTVL

ClinVar aggregate classification (germline): Uncertain significance (1 of 4 stars; one submission).

gnomAD v4.1: 3 of 1,612,980 alleles (0.00019%); highest among the groups gnomAD compares: Non-Finnish European, 0.00017%; no homozygotes.

Submission:

GeneDx
Classification: Uncertain significance. Last evaluated: 2025-06-10. Review status: criteria provided, single submitter. Criteria: GeneDx Variant Classification Process June 2021. Collection method: clinical testing. Allele origin: germline. Affected: yes.
Comment: Not observed at significant frequency in large population cohorts (gnomAD); In silico analysis suggests that this missense variant does not alter protein structure/function; Has not been previously published as pathogenic or benign to our knowledge